The following is an entry in ClinVar:

NM_199242.3(UNC13D):c.3198A>G (p.Glu1066=)

Gene: UNC13D (unc-13 homolog D; minus strand). Cytogenetic location: 17q25.1.
Variant type: single nucleotide variant.
Coding change: c.3198A>G on transcript NM_199242.3 (MANE Select); coding-DNA position 3198, A replaced by G.
Protein change: p.Glu1066=; no amino-acid change (glutamic acid 1066 retained).
Molecular consequence: synonymous variant.
Genome position (GRCh38, 1-based): chr17:75,828,040, T>C on the plus strand (A>G on the coding strand, the complement: UNC13D is on the minus strand). VCF-style: chr17-75828040-T-C. GRCh37 (hg19) VCF-style: chr17-73824121-T-C.
Other names: p.Glu1066=.
Identifiers: ClinVar variation 263240 (VCV000263240.28), dbSNP rs7210574, ClinGen allele CA8772228.

ClinVar aggregate classification (germline): Benign/Likely benign. Review status: criteria provided, multiple submitters, no conflicts (2 of 4 stars). 13 submissions from 13 submitters: Benign (9); Likely benign (1). 3 of the submissions do not count toward it. Last evaluated 2026-02-04.

Conditions:
Familial hemophagocytic lymphohistiocytosis 3 (FHL3). Also called: UNC13D-Related Familial Hemophagocytic Lymphohistiocytosis (UNC13D-fHLH). Identifiers: Orphanet 540, MedGen C1837174, MONDO:0012146, OMIM 608898.

Allele frequency attached by ClinVar (database versions not stated): gnomAD exomes 0.35098 and 0.38463; ExAC 0.48439; gnomAD 0.48933 and 0.49757; TOPMed 0.51474; ESP Exome Variant Server 0.51948; 1000 Genomes Project 0.52616; 1000 Genomes Project 30x 0.53420.
gnomAD v4.1: 577,875 of 1,579,720 alleles (37%); highest among the groups gnomAD compares: African/African-American, 88%; 118,072 homozygotes.

Submissions (13):

Labcorp Genetics (formerly Invitae), Labcorp
Classification: Benign for Familial hemophagocytic lymphohistiocytosis 3. Last evaluated: 2026-02-04. Review status: criteria provided, single submitter. Criteria: Invitae Variant Classification Sherloc (09022015). Collection method: clinical testing. Allele origin: germline.

Blueprint Genetics
Classification: Likely benign. Last evaluated: 2024-11-28. Review status: criteria provided, single submitter. Criteria: ACMG Guidelines, 2015. Collection method: clinical testing. Allele origin: germline.

Unidad de Genómica Garrahan, Hospital de Pediatría Garrahan
Classification: Benign. Last evaluated: 2023-11-12. Review status: criteria provided, single submitter. Criteria: ACMG Guidelines, 2015. Collection method: clinical testing. Allele origin: germline. Affected: no. Observed: 37 variant alleles.
Comment: This variant is classified as Benign based on local population frequency. This variant was detected in 39% of patients studied by a panel of primary immunodeficiencies. Number of patients: 37. Only high quality variants are reported.

Mayo Clinic Laboratories, Mayo Clinic
Classification: Benign. Last evaluated: 2022-09-06. Review status: criteria provided, single submitter. Criteria: ACMG Guidelines, 2015. Collection method: clinical testing. Allele origin: germline. Observed: 439 variant alleles.

Genome-Nilou Lab
Classification: Benign for Familial hemophagocytic lymphohistiocytosis 3. Last evaluated: 2021-12-05. Review status: criteria provided, single submitter. Criteria: ACMG Guidelines, 2015. Collection method: clinical testing. Allele origin: germline. Affected: no.

GeneDx
Classification: Benign. Last evaluated: 2018-11-12. Review status: criteria provided, single submitter. Criteria: GeneDx Variant Classification Process June 2021. Collection method: clinical testing. Allele origin: germline. Affected: yes.

Illumina Laboratory Services, Illumina
Classification: Benign for Familial hemophagocytic lymphohistiocytosis 3. Last evaluated: 2018-01-12. Review status: criteria provided, single submitter. Criteria: ICSL Variant Classification Criteria 13 December 2019. Collection method: clinical testing. Allele origin: germline.
Comment: This variant was observed in the ICSL laboratory as part of a predisposition screen in an ostensibly healthy population. It had not been previously curated by ICSL or reported in the Human Gene Mutation Database (HGMD: prior to June 1st, 2018), and was therefore a candidate for classification through an automated scoring system. Utilizing variant allele frequency, disease prevalence and penetrance estimates, and inheritance mode, an automated score was calculated to assess if this variant is too frequent to cause the disease. Based on the score and internal cut-off values, a variant classified as benign is not then subjected to further curation. The score for this variant resulted in a classification of benign for this disease.

Laboratory for Molecular Medicine, Mass General Brigham Personalized Medicine
Classification: Benign. Last evaluated: 2016-03-29. Review status: criteria provided, single submitter. Criteria: LMM Criteria. Collection method: clinical testing. Allele origin: germline.
Comment: Variant identified in a genome or exome case(s) and assessed due to predicted null impact of the variant or pathogenic assertions in the literature or databases. Disclaimer: This variant has not undergone full assessment. The following are preliminary notes: Frequency

Breakthrough Genomics
Classification: Benign. Review status: criteria provided, single submitter. Criteria: ACMG Guidelines, 2015. Collection method: not provided. Allele origin: germline. Inheritance: Autosomal recessive inheritance. Affected: yes.

PreventionGenetics, part of Exact Sciences
Classification: Benign. Review status: criteria provided, single submitter. Criteria: ACMG Guidelines, 2015. Collection method: clinical testing. Allele origin: germline.

Clinical Genetics DNA and cytogenetics Diagnostics Lab, Erasmus MC, Erasmus Medical Center
Classification: Benign. Review status: no assertion criteria provided. Collection method: clinical testing. Allele origin: germline. Affected: yes. Study: VKGL Data-share Consensus. Not counted in ClinVar's aggregate classification.

Diagnostic Laboratory, Department of Genetics, University Medical Center Groningen
Classification: Benign for Familial hemophagocytic lymphohistiocytosis 3. Review status: no assertion criteria provided. Collection method: clinical testing. Allele origin: germline. Affected: yes. Study: VKGL Data-share Consensus. Not counted in ClinVar's aggregate classification.

Genome Diagnostics Laboratory, University Medical Center Utrecht
Classification: Benign. Review status: no assertion criteria provided. Collection method: clinical testing. Allele origin: germline. Affected: yes. Study: VKGL Data-share Consensus. Not counted in ClinVar's aggregate classification.